The following is an entry in ClinVar:

NM_000088.4(COL1A1):c.3369+1G>C

Gene: COL1A1 (collagen type I alpha 1 chain; minus strand). Cytogenetic location: 17q21.33.
Variant type: single nucleotide variant.
Coding change: c.3369+1G>C on transcript NM_000088.4 (MANE Select); the canonical splice donor site of the intron after coding-DNA position 3369, G replaced by C.
Molecular consequence: splice donor variant.
Genome position (GRCh38, 1-based): chr17:50,187,875, C>G on the plus strand (G>C on the coding strand, the complement: COL1A1 is on the minus strand). VCF-style: chr17-50187875-C-G. GRCh37 (hg19) VCF-style: chr17-48265236-C-G.
Identifiers: ClinVar variation 2736618 (VCV002736618.3), dbSNP rs1906695650, ClinGen allele CA400199467.

ClinVar aggregate classification (germline): Pathogenic (1 of 4 stars; one submission).

Conditions:
Osteogenesis imperfecta type I (OI1). Also called: Classic Non-deforming Osteogenesis Imperfecta with Blue Sclerae; Lobstein disease; OI, TYPE I; OSTEOGENESIS IMPERFECTA TARDA; OSTEOGENESIS IMPERFECTA WITH BLUE SCLERAE; Osteogenesis imperfecta type 1. Identifiers: Orphanet 216796, Orphanet 666, MedGen C0023931, MONDO:0008146, OMIM 166200. Disease mechanism: loss of function.

Submission:

Labcorp Genetics (formerly Invitae), Labcorp
Classification: Pathogenic for Osteogenesis imperfecta type I. Last evaluated: 2023-07-26. Review status: criteria provided, single submitter. Criteria: Invitae Variant Classification Sherloc (09022015). Collection method: clinical testing. Allele origin: germline.
Comment: For these reasons, this variant has been classified as Pathogenic. Algorithms developed to predict the effect of sequence changes on RNA splicing suggest that this variant may disrupt the consensus splice site. This variant is also known as c.3369+1G>GC. Disruption of this splice site has been observed in individuals with osteogenesis imperfecta (PMID: 25963598, 27519266). This variant is not present in population databases (gnomAD no frequency). This sequence change affects a donor splice site in intron 45 of the COL1A1 gene. It is expected to disrupt RNA splicing. Variants that disrupt the donor or acceptor splice site typically lead to a loss of protein function (PMID: 16199547), and loss-of-function variants in COL1A1 are known to be pathogenic (PMID: 7942841, 9295084, 9443882).

Literature cited by the submitters: PubMed 25963598; PubMed 27519266; PubMed 16199547; PubMed 7942841; PubMed 9295084; PubMed 9443882.